The following is an entry in ClinVar:

ClinVar aggregate classification (germline): Uncertain significance (1 of 4 stars; one submission).

gnomAD v4.1: 1 of 1,602,214 alleles (0.000062%); highest among the groups gnomAD compares: Admixed American, 0.0017%; no homozygotes.

Submission:

Labcorp Genetics (formerly Invitae), Labcorp
Classification: Uncertain significance. Last evaluated: 2025-07-13. Review status: criteria provided, single submitter. Criteria: Invitae Variant Classification Sherloc (09022015). Collection method: clinical testing. Allele origin: germline.
Comment: This sequence change replaces glutamic acid, which is acidic and polar, with glutamine, which is neutral and polar, at codon 432 of the CAPN5 protein (p.Glu432Gln). This variant is present in population databases (no rsID available, gnomAD 0.003%). This variant has not been reported in the literature in individuals affected with CAPN5-related conditions. Invitae Evidence Modeling of protein sequence and biophysical properties (such as structural, functional, and spatial information, amino acid conservation, physicochemical variation, residue mobility, and thermodynamic stability) indicates that this missense variant is not expected to disrupt CAPN5 protein function with a negative predictive value of 80%. In summary, the available evidence is currently insufficient to determine the role of this variant in disease. Therefore, it has been classified as a Variant of Uncertain Significance.

NM_004055.5(CAPN5):c.1294G>C (p.Glu432Gln)

Gene: CAPN5 (calpain 5; plus strand). Cytogenetic location: 11q13.5.
Variant type: single nucleotide variant.
Coding change: c.1294G>C on transcript NM_004055.5 (MANE Select); coding-DNA position 1294, G replaced by C.
Protein change: p.Glu432Gln; replaces glutamic acid 432 with glutamine.
Molecular consequence: missense variant. On other transcripts: non-coding transcript variant (1).
Genome position (GRCh38, 1-based): chr11:77,120,716, G>C. VCF-style: chr11-77120716-G-C. GRCh37 (hg19) VCF-style: chr11-76831762-G-C.
Other names: c.1414G>C, p.Glu472Gln (NM_001425321.1); c.1294G>C, p.Glu432Gln (NM_001425322.1); c.1162G>C, p.Glu388Gln (NM_001425323.1); short protein forms E388Q, E472Q, E432Q.
Identifiers: ClinVar variation 4776963 (VCV004776963.1).
Genomic context (GRCh38, chr11:77,120,716, plus strand): 5'-GGCCAGGGTGTTGTAGGGTGTGTCTCCGCGTGGCCCAGCCCCTCCCGCCTCCTGCAGGTG[G>C]AGGAGAACCGCCAGTACCGCATGCACAGCCTGCAGCACAAGGCCGCCAGCTCCATCTACA-3'
Protein context (NP_004046.2, residues 422-442): LAIGFDIYKV[Glu432Gln]ENRQYRMHSL